The following is an entry in ClinVar:

ClinVar aggregate classification (germline): Uncertain significance. Review status: criteria provided, multiple submitters, no conflicts (2 of 4 stars). 3 submissions from 3 submitters: Uncertain significance (2). 1 of the submissions does not count toward it. Last evaluated 2024-08-12.

Conditions:
Microcephaly. Also called: Microcephaly (disease). Identifiers: MedGen C4551563, MONDO:0001149, HP:0000252.

Allele frequency attached by ClinVar (database versions not stated): gnomAD exomes 0.00004 and 0.00005; ExAC 0.00007; gnomAD 0.00010 and 0.00012; TOPMed 0.00014.

Submissions (3):

Ambry Genetics
Classification: Uncertain significance. Last evaluated: 2024-08-12. Review status: criteria provided, single submitter. Criteria: Ambry Variant Classification Scheme 2023. Collection method: clinical testing. Allele origin: germline.

Labcorp Genetics (formerly Invitae), Labcorp
Classification: Uncertain significance. Last evaluated: 2023-10-26. Review status: criteria provided, single submitter. Criteria: Invitae Variant Classification Sherloc (09022015). Collection method: clinical testing. Allele origin: germline.
Comment: This sequence change replaces asparagine, which is neutral and polar, with serine, which is neutral and polar, at codon 402 of the MCM4 protein (p.Asn402Ser). This variant is present in population databases (rs35645855, gnomAD 0.04%). This variant has not been reported in the literature in individuals affected with MCM4-related conditions. ClinVar contains an entry for this variant (Variation ID: 813644). Advanced modeling of protein sequence and biophysical properties (such as structural, functional, and spatial information, amino acid conservation, physicochemical variation, residue mobility, and thermodynamic stability) performed at Invitae indicates that this missense variant is not expected to disrupt MCM4 protein function with a negative predictive value of 80%. In summary, the available evidence is currently insufficient to determine the role of this variant in disease. Therefore, it has been classified as a Variant of Uncertain Significance.

Department of Pediatrics, Samsung Medical Center, Samsung Medical Center
Classification: Uncertain significance for Microcephaly. Review status: no assertion criteria provided. Criteria: ACMG Guidelines, 2015. Collection method: research. Allele origin: germline. Affected: yes. Not counted in ClinVar's aggregate classification.

NM_182746.3(MCM4):c.1205A>G (p.Asn402Ser)

Gene: MCM4 (minichromosome maintenance complex component 4; plus strand). Cytogenetic location: 8q11.21.
Variant type: single nucleotide variant.
Coding change: c.1205A>G on transcript NM_182746.3 (MANE Select); coding-DNA position 1205, A replaced by G.
Protein change: p.Asn402Ser; replaces asparagine 402 with serine.
Molecular consequence: missense variant.
Genome position (GRCh38, 1-based): chr8:47,969,828, A>G. VCF-style: chr8-47969828-A-G. GRCh37 (hg19) VCF-style: chr8-48882388-A-G.
Other names: c.1205A>G, p.Asn402Ser (NM_005914.4); c.1205A>G (NM_005914.3); short protein forms N402S.
Identifiers: ClinVar variation 813644 (VCV000813644.8), dbSNP rs35645855, ClinGen allele CA4742565.